The following is an entry in ClinVar:

ClinVar aggregate classification (germline): Likely benign. Review status: criteria provided, multiple submitters, no conflicts (2 of 4 stars). 3 submissions from 3 submitters: Likely benign (2). 1 of the submissions does not count toward it. Last evaluated 2024-05-07.

Conditions:
PLEC-related disorder. Also called: PLEC-related condition; PLEC-related disorders.
Autosomal recessive limb-girdle muscular dystrophy type 2Q (LGMDR17). Also called: MUSCULAR DYSTROPHY, LIMB-GIRDLE, AUTOSOMAL RECESSIVE 17. Identifiers: Orphanet 254361, MedGen C3150989, MONDO:0013390, OMIM 613723.
Epidermolysis bullosa simplex 5B, with muscular dystrophy (EBS5B). Also called: Epidermolysis bullosa simplex with muscular dystrophy; EPIDERMOLYSIS BULLOSA SIMPLEX AND LIMB-GIRDLE MUSCULAR DYSTROPHY. Identifiers: Orphanet 257, MedGen C2931072, MONDO:0009181, OMIM 226670.
Epidermolysis bullosa simplex with nail dystrophy (EBS5D). Identifiers: MedGen C4225309, MONDO:0014661, OMIM 616487.
Epidermolysis bullosa simplex, Ogna type (EBS5A). Also called: Pidermolysis bullosa simplex 5A, Ogna type; EPIDERMOLYSIS BULLOSA SIMPLEX 5A, OGNA TYPE. Identifiers: Orphanet 79401, MedGen C0432317, MONDO:0007555, OMIM 131950.
Epidermolysis bullosa simplex 5C, with pyloric atresia (EBS5C). Also called: PLEC1-Related Epidermolysis Bullosa with Pyloric Atresia; PLEC-Related Epidermolysis Bullosa with Pyloric Atresia; Epidermolysis bullosa simplex with pyloric atresia. Identifiers: Orphanet 158684, MedGen C2677349, MONDO:0012807, OMIM 612138.

Allele frequency attached by ClinVar (database versions not stated): TOPMed below 0.00001; ExAC 0.00002; gnomAD exomes 0.00002; ESP Exome Variant Server 0.00008.
gnomAD v4.1: 24 of 1,613,080 alleles (0.0015%); highest among the groups gnomAD compares: Middle Eastern, 0.12%; no homozygotes.

Submissions (3):

Labcorp Genetics (formerly Invitae), Labcorp
Classification: Likely benign for Autosomal recessive limb-girdle muscular dystrophy type 2Q; Epidermolysis bullosa simplex, Ogna type; Epidermolysis bullosa simplex with nail dystrophy; Epidermolysis bullosa simplex 5C, with pyloric atresia; Epidermolysis bullosa simplex 5B, with muscular dystrophy. Last evaluated: 2024-05-07. Review status: criteria provided, single submitter. Criteria: Invitae Variant Classification Sherloc (09022015). Collection method: clinical testing. Allele origin: germline.

GeneDx
Classification: Likely benign. Last evaluated: 2016-09-06. Review status: criteria provided, single submitter. Criteria: GeneDx Variant Classification (06012015). Collection method: clinical testing. Allele origin: germline. Affected: yes.
Comment: This variant is considered likely benign or benign based on one or more of the following criteria: it is a conservative change, it occurs at a poorly conserved position in the protein, it is predicted to be benign by multiple in silico algorithms, and/or has population frequency not consistent with disease.

PreventionGenetics, part of Exact Sciences
Classification: Likely benign for PLEC-related condition. Last evaluated: 2019-06-28. Review status: no assertion criteria provided. Collection method: clinical testing. Allele origin: germline. Not counted in ClinVar's aggregate classification.
Comment: This variant is classified as likely benign based on ACMG/AMP sequence variant interpretation guidelines (Richards et al. 2015 PMID: 25741868, with internal and published modifications).

NM_201384.3(PLEC):c.394C>T (p.Leu132=)

Gene: PLEC (plectin; minus strand). Cytogenetic location: 8q24.3.
Variant type: single nucleotide variant.
Coding change: c.394C>T on transcript NM_201384.3 (MANE Select); coding-DNA position 394, C replaced by T.
Protein change: p.Leu132=; no amino-acid change (leucine 132 retained).
Molecular consequence: synonymous variant.
Genome position (GRCh38, 1-based): chr8:143,937,020, G>A on the plus strand (C>T on the coding strand, the complement: PLEC is on the minus strand). VCF-style: chr8-143937020-G-A. GRCh37 (hg19) VCF-style: chr8-145011188-G-A.
Other names: c.475C>T (NM_000445.4); c.475C>T, p.Leu159= (NM_000445.5); c.352C>T, p.Leu118= (NM_201378.4); c.328C>T, p.Leu110= (NM_201379.3); c.805C>T, p.Leu269= (NM_201380.4); c.298C>T, p.Leu100= (NM_201381.3); c.394C>T, p.Leu132= (NM_201382.4); c.406C>T, p.Leu136= (NM_201383.3).
Identifiers: ClinVar variation 389067 (VCV000389067.11), dbSNP rs372380314, ClinGen allele CA4928461.
Genomic context (GRCh38, chr8:143,937,020, plus strand): 5'-CTGGGGGCAGCCGTTCTACCTGGAAGTGCAGAATGATTGTCCAGATGAGGCCAAGGGTCA[G>A]CTTGGGGTTGCCGTCAGCGATGTCATCATTCCTGATGTTCACCAGCTTCACCTGTGAGCG-3'
Protein context (NP_958786.1, residues 122-142): NDDIADGNPK[Leu132=]TLGLIWTIIL